The following is an entry in ClinVar:

NM_000257.4(MYH7):c.4645-17C>T

Genes: MHRT (myosin heavy chain associated RNA transcript; plus strand), MYH7 (myosin heavy chain 7; minus strand), LOC126861897 (BRD4-independent group 4 enhancer GRCh37_chr14:23884455-23885654; plus strand). Cytogenetic location: 14q11.2.
Variant type: single nucleotide variant.
Coding change: c.4645-17C>T on transcript NM_000257.4 (MANE Select); 17 bases into the intron before coding-DNA position 4645, C replaced by T.
Molecular consequence: intron variant.
Genome position (GRCh38, 1-based): chr14:23,416,329, G>A on the plus strand (C>T on the coding strand, the complement: MYH7 is on the minus strand). VCF-style: chr14-23416329-G-A. GRCh37 (hg19) VCF-style: chr14-23885538-G-A.
Other names: c.4645-17C>T (LRG_384t1).
Identifiers: ClinVar variation 513566 (VCV000513566.9), dbSNP rs1555336497, ClinGen allele CA658798177.
Genomic context (GRCh38, chr14:23,416,329, plus strand): 5'-AGCTGGGCCCGGAGGATCTTGCCCTCCTCGTGCTCCAGGGAGGCCTGGGAAGGGGTTGGG[G>A]GAGGGGATGCAGGCAGACAGTCAGGGCACAGGGCAGGGTGGGGGCCTGCTCACTAATCAT-3'

ClinVar aggregate classification (germline): Likely benign. Review status: criteria provided, multiple submitters, no conflicts (2 of 4 stars). 2 submissions from 2 submitters: Likely benign (2). Last evaluated 2023-08-16.

Conditions:
Hypertrophic cardiomyopathy. Also called: HYPERTROPHIC MYOCARDIOPATHY. Identifiers: Orphanet 217569, MedGen C0007194, MeSH D002312, MONDO:0005045, HP:0001639.

Submissions (2):

Labcorp Genetics (formerly Invitae), Labcorp
Classification: Likely benign for Hypertrophic cardiomyopathy. Last evaluated: 2023-08-16. Review status: criteria provided, single submitter. Criteria: Invitae Variant Classification Sherloc (09022015). Collection method: clinical testing. Allele origin: germline.

GeneDx
Classification: Likely benign. Last evaluated: 2017-11-22. Review status: criteria provided, single submitter. Criteria: GeneDx Variant Classification (06012015). Collection method: clinical testing. Allele origin: germline. Affected: yes.
Comment: This variant is considered likely benign or benign based on one or more of the following criteria: it is a conservative change, it occurs at a poorly conserved position in the protein, it is predicted to be benign by multiple in silico algorithms, and/or has population frequency not consistent with disease.